The following is an entry in ClinVar:

ClinVar aggregate classification (germline): Benign/Likely benign. Review status: criteria provided, multiple submitters, no conflicts (2 of 4 stars). 12 submissions from 12 submitters: Benign (8); Likely benign (1). 3 of the submissions do not count toward it. Last evaluated 2026-02-03.

Conditions:
Inborn genetic diseases. Identifiers: MedGen C0950123, MeSH D030342.
CHARGE syndrome (CHARGE). Also called: CHARGE ASSOCIATION--COLOBOMA, HEART ANOMALY, CHOANAL ATRESIA, RETARDATION, GENITAL AND EAR ANOMALIES; Hittner Hirsch Kreh syndrome; Coloboma, heart anomaly, choanal atresia, retardation, genital and ear anomalies; CHARGE association; Hall-Hittner syndrome. Identifiers: Orphanet 138, MedGen C0265354, MONDO:0008965.
Hypogonadotropic hypogonadism 5 with or without anosmia (KAL5). Also called: CHD7-Related GnRH Deficiency (Kallmann Syndrome 5); HYPOGONADOTROPIC HYPOGONADISM 5 WITH ANOSMIA; HYPOGONADOTROPHIC HYPOGONADISM 5 WITHOUT ANOSMIA. Identifiers: Orphanet 478, MedGen C3552553, MONDO:0012880, OMIM 612370. Disease mechanism: loss of function.

Allele frequency attached by ClinVar (database versions not stated): ESP Exome Variant Server 0.00024; gnomAD 0.00225 and 0.00217; 1000 Genomes Project 30x 0.00390; gnomAD exomes 0.00723 and 0.00169; ExAC 0.00592; 1000 Genomes Project 0.00379; TOPMed 0.00434.
gnomAD v4.1: 2,795 of 1,613,810 alleles (0.17%); highest among the groups gnomAD compares: Admixed American, 3.3%; 52 homozygotes.

Submissions (12):

Labcorp Genetics (formerly Invitae), Labcorp
Classification: Benign for CHARGE syndrome. Last evaluated: 2026-02-03. Review status: criteria provided, single submitter. Criteria: Invitae Variant Classification Sherloc (09022015). Collection method: clinical testing. Allele origin: germline.

Blueprint Genetics
Classification: Likely benign. Last evaluated: 2024-11-27. Review status: criteria provided, single submitter. Criteria: ACMG Guidelines, 2015. Collection method: clinical testing. Allele origin: germline.

Athena Diagnostics
Classification: Benign. Last evaluated: 2019-08-01. Review status: criteria provided, single submitter. Criteria: Athena Diagnostics Criteria. Collection method: clinical testing. Allele origin: germline.

Illumina Laboratory Services, Illumina
Classification: Benign for Kallmann Syndrome 5. Last evaluated: 2018-01-12. Review status: criteria provided, single submitter. Criteria: ICSL Variant Classification Criteria 13 December 2019. Collection method: clinical testing. Allele origin: germline.
Comment: This variant was observed in the ICSL laboratory as part of a predisposition screen in an ostensibly healthy population. It had not been previously curated by ICSL or reported in the Human Gene Mutation Database (HGMD: prior to June 1st, 2018), and was therefore a candidate for classification through an automated scoring system. Utilizing variant allele frequency, disease prevalence and penetrance estimates, and inheritance mode, an automated score was calculated to assess if this variant is too frequent to cause the disease. Based on the score and internal cut-off values, a variant classified as benign is not then subjected to further curation. The score for this variant resulted in a classification of benign for this disease.

Laboratory for Molecular Medicine, Mass General Brigham Personalized Medicine
Classification: Benign. Last evaluated: 2017-08-23. Review status: criteria provided, single submitter. Criteria: LMM Criteria. Collection method: clinical testing. Allele origin: germline. Observed: 3 variant alleles.
Comment: p.Tyr72Tyr in exon 2 of CHD7: This variant is not expected to have clinical sign ificance because it does not alter an amino acid residue, is not located within the splice consensus sequence, and has been identified in 4.53% (505/11156) of L atino chromosomes by the Exome Aggregation Consortium (ExAC; dbSNP rs16926453).

Ambry Genetics
Classification: Benign for Inborn genetic diseases. Last evaluated: 2016-04-08. Review status: criteria provided, single submitter. Criteria: Ambry Variant Classification Scheme 2023. Collection method: clinical testing. Allele origin: germline.

GeneDx
Classification: Benign. Last evaluated: 2015-03-03. Review status: criteria provided, single submitter. Criteria: GeneDx Variant Classification Process June 2021. Collection method: clinical testing. Allele origin: germline. Affected: yes.

Eurofins Ntd Llc (ga)
Classification: Benign. Last evaluated: 2013-09-17. Review status: criteria provided, single submitter. Criteria: EGL Classification Definitions 2015. Collection method: clinical testing. Allele origin: germline. Observed: 1 variant allele, 1 heterozygote.

PreventionGenetics, part of Exact Sciences
Classification: Benign. Review status: criteria provided, single submitter. Criteria: ACMG Guidelines, 2015. Collection method: clinical testing. Allele origin: germline.

Genetic Services Laboratory, University of Chicago
Classification: Benign for CHARGE association. Last evaluated: 2013-02-08. Review status: no assertion criteria provided. Collection method: clinical testing. Allele origin: germline. Affected: yes. Not counted in ClinVar's aggregate classification.

Clinical Genetics DNA and cytogenetics Diagnostics Lab, Erasmus MC, Erasmus Medical Center
Classification: Benign. Review status: no assertion criteria provided. Collection method: clinical testing. Allele origin: germline. Affected: yes. Study: VKGL Data-share Consensus. Not counted in ClinVar's aggregate classification.

Clinical Genetics, Academic Medical Center
Classification: Benign. Review status: no assertion criteria provided. Collection method: clinical testing. Allele origin: germline. Affected: yes. Study: VKGL Data-share Consensus. Not counted in ClinVar's aggregate classification.

Literature cited by the submitters: PubMed 21158681 (cited by Athena Diagnostics).

NM_017780.4(CHD7):c.216T>C (p.Tyr72=)

Gene: CHD7 (chromodomain helicase DNA binding protein 7; plus strand). Cytogenetic location: 8q12.2.
Variant type: single nucleotide variant.
Coding change: c.216T>C on transcript NM_017780.4 (MANE Select); coding-DNA position 216, T replaced by C.
Protein change: p.Tyr72=; no amino-acid change (tyrosine 72 retained).
Molecular consequence: synonymous variant.
Genome position (GRCh38, 1-based): chr8:60,741,648, T>C. VCF-style: chr8-60741648-T-C. GRCh37 (hg19) VCF-style: chr8-61654207-T-C.
Other names: c.216T>C, p.(=) (LRG_176t1); c.216T>C, p.Tyr72= (NM_001316690.1).
Identifiers: ClinVar variation 95778 (VCV000095778.42), dbSNP rs16926453, ClinGen allele CA148853.